The following is an entry in ClinVar:

ClinVar aggregate classification (germline): Likely benign. Review status: criteria provided, multiple submitters, no conflicts (2 of 4 stars). 6 submissions from 6 submitters: Likely benign (5). 1 of the submissions does not count toward it. Last evaluated 2025-11-01.

Conditions:
GABRB3-related disorder. Also called: GABRB3-related condition.
Epilepsy, childhood absence, susceptibility to, 5. Identifiers: Orphanet 64280, MedGen C2677087, MONDO:0012843, OMIM 612269.
Epilepsy, childhood absence, susceptibility to, 1. Also called: Epilepsy, childhood absence 1. Identifiers: Orphanet 64280, MedGen C1838604, MONDO:0020759, OMIM 600131.
Seizure. Also called: Seizures. Identifiers: MedGen C0036572, HP:0001250.

Allele frequency attached by ClinVar (database versions not stated): ExAC 0.00005; gnomAD 0.00005 and 0.00008; gnomAD exomes 0.00005; TOPMed 0.00005; ESP Exome Variant Server 0.00008; 1000 Genomes Project 0.00020; 1000 Genomes Project 30x 0.00031.
gnomAD v4.1: 91 of 1,614,182 alleles (0.0056%); highest among the groups gnomAD compares: Middle Eastern, 0.049%; no homozygotes.

Submissions (6):

CeGaT Center for Human Genetics Tuebingen
Classification: Likely benign. Last evaluated: 2025-11-01. Review status: criteria provided, single submitter. Criteria: CeGaT Center For Human Genetics Tuebingen Variant Classification Criteria Version 2. Collection method: clinical testing. Allele origin: germline. Affected: yes. Observed: 1 variant allele.
Comment: GABRB3: BP4, BP7

Blueprint Genetics
Classification: Likely benign. Last evaluated: 2024-10-15. Review status: criteria provided, single submitter. Criteria: ACMG Guidelines, 2015. Collection method: clinical testing. Allele origin: germline.

Labcorp Genetics (formerly Invitae), Labcorp
Classification: Likely benign for Epilepsy, childhood absence, susceptibility to, 5; Epilepsy, childhood absence, susceptibility to, 1. Last evaluated: 2024-07-09. Review status: criteria provided, single submitter. Criteria: Invitae Variant Classification Sherloc (09022015). Collection method: clinical testing. Allele origin: germline.

GeneDx
Classification: Likely benign. Last evaluated: 2021-04-13. Review status: criteria provided, single submitter. Criteria: GeneDx Variant Classification Process June 2021. Collection method: clinical testing. Allele origin: germline. Affected: yes.

Ambry Genetics
Classification: Likely benign for Seizures. Last evaluated: 2017-05-26. Review status: criteria provided, single submitter. Criteria: Ambry Autosomal Dominant and X-Linked criteria (3/2017). Collection method: clinical testing. Allele origin: germline. Observed: 1 variant allele.
Comment: Synonymous alterations with insufficient evidence to classify as benign

PreventionGenetics, part of Exact Sciences
Classification: Likely benign for GABRB3-related condition. Last evaluated: 2020-01-13. Review status: no assertion criteria provided. Collection method: clinical testing. Allele origin: germline. Not counted in ClinVar's aggregate classification.
Comment: This variant is classified as likely benign based on ACMG/AMP sequence variant interpretation guidelines (Richards et al. 2015 PMID: 25741868, with internal and published modifications).

NM_000814.6(GABRB3):c.1338T>C (p.Asn446=)

Gene: GABRB3 (gamma-aminobutyric acid type A receptor subunit beta3; minus strand). Cytogenetic location: 15q12.
Variant type: single nucleotide variant.
Coding change: c.1338T>C on transcript NM_000814.6 (MANE Select); coding-DNA position 1338, T replaced by C.
Protein change: p.Asn446=; no amino-acid change (asparagine 446 retained).
Molecular consequence: synonymous variant.
Genome position (GRCh38, 1-based): chr15:26,547,877, A>G on the plus strand (T>C on the coding strand, the complement: GABRB3 is on the minus strand). VCF-style: chr15-26547877-A-G. GRCh37 (hg19) VCF-style: chr15-26793024-A-G.
Other names: c.1083T>C, p.Asn361= (NM_001191320.2, NM_001278631.2); c.1125T>C, p.Asn375= (NM_001191321.3); c.1338T>C, p.Asn446= (NM_021912.5).
Identifiers: ClinVar variation 513864 (VCV000513864.23), dbSNP rs370026053, ClinGen allele CA7437262.